The following is an entry in ClinVar:

NM_001005273.3(CHD3):c.4081_4084del (p.Glu1362fs)

Gene: CHD3 (chromodomain helicase DNA binding protein 3; plus strand). Cytogenetic location: 17p13.1.
Variant type: Deletion.
Coding change: c.4081_4084del on transcript NM_001005273.3 (MANE Select); coding-DNA positions 4081 to 4084, 4 bases deleted (TCAG; older notation c.4081_4084delTCAG).
Protein change: p.Glu1362fs; shifts the reading frame from glutamic acid 1362.
Molecular consequence: frameshift variant.
Genome position (GRCh38, 1-based): chr17:7,905,108-7,905,111, TCAG deleted; deleting any 4 consecutive bases within chr17:7,905,105-7,905,111 gives the same sequence; the c. name uses the placement nearest the transcript's 3' end. VCF-style (leftmost placement, unchanged base first): chr17-7905104-CCAGT-C. GRCh37 (hg19) VCF-style: chr17-7808422-CCAGT-C.
Other names: c.4258_4261del, p.Glu1421fs (NM_001005271.3); c.4081_4084del, p.Glu1362fs (NM_005852.4); short protein forms E1362fs, E1421fs.
Identifiers: ClinVar variation 3832794 (VCV003832794.1).

ClinVar aggregate classification (germline): Pathogenic (1 of 4 stars; one submission).

Conditions:
Inborn genetic diseases. Identifiers: MedGen C0950123, MeSH D030342.

Submission:

Ambry Genetics
Classification: Pathogenic for Inborn genetic diseases. Last evaluated: 2025-02-19. Review status: criteria provided, single submitter. Criteria: Ambry Variant Classification Scheme 2023. Collection method: clinical testing. Allele origin: germline.
Comment: The c.4258_4261delTCAG (p.E1421Tfs*62) alteration, located in exon 26 (coding exon 26) of the CHD3 gene, consists of a deletion of 4 nucleotides from position 4258 to 4261, causing a translational frameshift with a predicted alternate stop codon after 62 amino acids. This alteration is expected to result in loss of function by premature protein truncation or nonsense-mediated mRNA decay. This variant was not reported in population-based cohorts in the Genome Aggregation Database (gnomAD). Based on the available evidence, this alteration is classified as pathogenic.